The following is an entry in ClinVar:

NM_004655.4(AXIN2):c.70C>T (p.Pro24Ser)

Gene: AXIN2 (axin 2; minus strand). Cytogenetic location: 17q24.1.
Variant type: single nucleotide variant.
Coding change: c.70C>T on transcript NM_004655.4 (MANE Select); coding-DNA position 70, C replaced by T.
Protein change: p.Pro24Ser; replaces proline 24 with serine.
Molecular consequence: missense variant.
Genome position (GRCh38, 1-based): chr17:65,558,551, G>A on the plus strand (C>T on the coding strand, the complement: AXIN2 is on the minus strand). VCF-style: chr17-65558551-G-A. GRCh37 (hg19) VCF-style: chr17-63554669-G-A.
Other names: c.70C>T (LRG_296t1); c.70C>T, p.Pro24Ser (NM_001363813.1); short protein forms P24S.
Identifiers: ClinVar variation 647878 (VCV000647878.9), dbSNP rs1598120409, ClinGen allele CA400682290.

ClinVar aggregate classification (germline): Uncertain significance. Review status: criteria provided, multiple submitters, no conflicts (2 of 4 stars). 2 submissions from 2 submitters: Uncertain significance (2). Last evaluated 2026-01-01.

Conditions:
Hereditary cancer-predisposing syndrome. Also called: Neoplastic Syndromes, Hereditary; Hereditary neoplastic syndrome; Tumor predisposition; Hereditary Cancer Syndrome. Identifiers: Orphanet 140162, MedGen C0027672, MeSH D009386, MONDO:0015356.
Oligodontia-cancer predisposition syndrome. Also called: TOOTH AGENESIS-COLORECTAL CANCER SYNDROME. Identifiers: Orphanet 300576, MedGen C1837750, MONDO:0012075, OMIM 608615. Disease mechanism: loss of function.

Submissions (2):

Ambry Genetics
Classification: Uncertain significance for Hereditary cancer-predisposing syndrome. Last evaluated: 2026-01-01. Review status: criteria provided, single submitter. Criteria: Ambry Variant Classification Scheme 2023. Collection method: clinical testing. Allele origin: germline.
Comment: The p.P24S variant (also known as c.70C>T), located in coding exon 1 of the AXIN2 gene, results from a C to T substitution at nucleotide position 70. The proline at codon 24 is replaced by serine, an amino acid with similar properties. This amino acid position is conserved. In addition, this alteration is predicted to be deleterious by in silico analysis. Based on the available evidence, the clinical significance of this variant remains unclear.

Labcorp Genetics (formerly Invitae), Labcorp
Classification: Uncertain significance for Oligodontia-cancer predisposition syndrome. Last evaluated: 2023-12-11. Review status: criteria provided, single submitter. Criteria: Invitae Variant Classification Sherloc (09022015). Collection method: clinical testing. Allele origin: germline.
Comment: This sequence change replaces proline, which is neutral and non-polar, with serine, which is neutral and polar, at codon 24 of the AXIN2 protein (p.Pro24Ser). This variant is not present in population databases (gnomAD no frequency). This variant has not been reported in the literature in individuals affected with AXIN2-related conditions. ClinVar contains an entry for this variant (Variation ID: 647878). Advanced modeling of protein sequence and biophysical properties (such as structural, functional, and spatial information, amino acid conservation, physicochemical variation, residue mobility, and thermodynamic stability) performed at Invitae indicates that this missense variant is expected to disrupt AXIN2 protein function with a positive predictive value of 80%. In summary, the available evidence is currently insufficient to determine the role of this variant in disease. Therefore, it has been classified as a Variant of Uncertain Significance.